The following is an entry in ClinVar:

NM_004360.5(CDH1):c.1998T>C (p.Asn666=)

Gene: CDH1 (cadherin 1; plus strand). Cytogenetic location: 16q22.1.
Variant type: single nucleotide variant.
Coding change: c.1998T>C on transcript NM_004360.5 (MANE Select); coding-DNA position 1998, T replaced by C.
Protein change: p.Asn666=; no amino-acid change (asparagine 666 retained).
Molecular consequence: synonymous variant.
Genome position (GRCh38, 1-based): chr16:68,823,460, T>C. VCF-style: chr16-68823460-T-C. GRCh37 (hg19) VCF-style: chr16-68857363-T-C.
Other names: c.1815T>C, p.Asn605= (NM_001317184.2); c.450T>C, p.Asn150= (NM_001317185.2); c.33T>C, p.Asn11= (NM_001317186.2).
Identifiers: ClinVar variation 755367 (VCV000755367.12), dbSNP rs1167042883, ClinGen allele CA496393095.

ClinVar aggregate classification (germline): Benign/Likely benign. Review status: criteria provided, multiple submitters, no conflicts (2 of 4 stars). 3 submissions from 3 submitters: Benign (1); Likely benign (2). Last evaluated 2024-09-20.

Conditions:
Hereditary diffuse gastric adenocarcinoma (HDGC). Also called: DIFFUSE GASTRIC AND LOBULAR BREAST CANCER SYNDROME. Identifiers: Orphanet 26106, MedGen C1708349, MONDO:0007648, OMIM 137215.
Hereditary cancer-predisposing syndrome. Also called: Tumor predisposition; Hereditary Cancer Syndrome; Neoplastic Syndromes, Hereditary; Hereditary neoplastic syndrome. Identifiers: Orphanet 140162, MedGen C0027672, MeSH D009386, MONDO:0015356.

Submissions (3):

Myriad Genetics, Inc.
Classification: Benign for Hereditary diffuse gastric adenocarcinoma. Last evaluated: 2024-09-20. Review status: criteria provided, single submitter. Criteria: Myriad Autosomal Dominant, Autosomal Recessive and X-Linked Classification Criteria (2023). Collection method: clinical testing. Allele origin: unknown.
Comment: This variant is considered benign. This variant is a silent/synonymous amino acid change and it is not expected to impact splicing.

Ambry Genetics
Classification: Likely benign for Hereditary cancer-predisposing syndrome. Last evaluated: 2024-04-14. Review status: criteria provided, single submitter. Criteria: Ambry Variant Classification Scheme 2023. Collection method: clinical testing. Allele origin: germline.

Labcorp Genetics (formerly Invitae), Labcorp
Classification: Likely benign for Hereditary diffuse gastric adenocarcinoma. Last evaluated: 2022-08-03. Review status: criteria provided, single submitter. Criteria: Invitae Variant Classification Sherloc (09022015). Collection method: clinical testing. Allele origin: germline.